The following is an entry in ClinVar:

NM_178335.3(CCDC50):c.914G>C (p.Arg305Thr)

Gene: CCDC50 (coiled-coil domain containing 50; plus strand). Cytogenetic location: 3q28.
Variant type: single nucleotide variant.
Coding change: c.914G>C on transcript NM_178335.3 (MANE Select); coding-DNA position 914, G replaced by C.
Protein change: p.Arg305Thr; replaces arginine 305 with threonine.
Molecular consequence: missense variant. On other transcripts: intron variant (1).
Genome position (GRCh38, 1-based): chr3:191,375,527, G>C. VCF-style: chr3-191375527-G-C. GRCh37 (hg19) VCF-style: chr3-191093316-G-C.
Other names: c.449-4632G>C (NM_174908.4); short protein forms R305T.
Identifiers: ClinVar variation 504928 (VCV000504928.11), dbSNP rs896068890, ClinGen allele CA89778721.

ClinVar aggregate classification (germline): Uncertain significance. Review status: criteria provided, multiple submitters, no conflicts (2 of 4 stars). 2 submissions from 2 submitters: Uncertain significance (2). Last evaluated 2021-07-19.

Allele frequency attached by ClinVar (database versions not stated): TOPMed 0.00001.

Submissions (2):

Labcorp Genetics (formerly Invitae), Labcorp
Classification: Uncertain significance. Last evaluated: 2021-07-19. Review status: criteria provided, single submitter. Criteria: Invitae Variant Classification Sherloc (09022015). Collection method: clinical testing. Allele origin: germline.
Comment: This sequence change replaces arginine with threonine at codon 305 of the CCDC50 protein (p.Arg305Thr). The arginine residue is weakly conserved and there is a moderate physicochemical difference between arginine and threonine. This variant is not present in population databases (ExAC no frequency). This variant has not been reported in the literature in individuals affected with CCDC50-related conditions. ClinVar contains an entry for this variant (Variation ID: 504928). Algorithms developed to predict the effect of missense changes on protein structure and function (SIFT, PolyPhen-2, Align-GVGD) all suggest that this variant is likely to be tolerated. In summary, the available evidence is currently insufficient to determine the role of this variant in disease. Therefore, it has been classified as a Variant of Uncertain Significance.

Laboratory for Molecular Medicine, Mass General Brigham Personalized Medicine
Classification: Uncertain significance. Last evaluated: 2016-04-21. Review status: criteria provided, single submitter. Criteria: LMM Criteria. Collection method: clinical testing. Allele origin: germline. Observed: 1 variant allele.
Comment: Variant classified as Uncertain Significance - Favor Benign. The p.Arg305Thr var iant in CCDC50 has not been previously reported in individuals with hearing loss or in large population studies. Arginine (Arg) at position 305 is not conserve d in mammals or evolutionarily distant species and 1 mammal (star-nosed mole) ca rries a threonine (Thr) at the position, supporting that this change may be tole rated. Additional computational prediction tools suggest that the p.Arg305Thr v ariant may not impact the protein, though this information is not predictive eno ugh to rule out pathogenicity. In summary, while the clinical significance of th e p.Arg305Thr variant is uncertain, these data suggest that it is more likely to be benign.